The following is an entry in ClinVar:

ClinVar aggregate classification (germline): Pathogenic (1 of 4 stars; one submission).

Conditions:
Congenital adrenal hyperplasia due to cytochrome P450 oxidoreductase deficiency. Also called: DISORDERED STEROIDOGENESIS DUE TO POR DEFICIENCY. Identifiers: Orphanet 95699, MedGen C1860042, MONDO:0013310, OMIM 613571.

Submission:

Labcorp Genetics (formerly Invitae), Labcorp
Classification: Pathogenic for Congenital adrenal hyperplasia due to cytochrome P450 oxidoreductase deficiency. Last evaluated: 2024-01-02. Review status: criteria provided, single submitter. Criteria: Invitae Variant Classification Sherloc (09022015). Collection method: clinical testing. Allele origin: germline.
Comment: This sequence change creates a premature translational stop signal (p.Ile547Argfs*65) in the POR gene. It is expected to result in an absent or disrupted protein product. Loss-of-function variants in POR are known to be pathogenic (PMID: 14758361, 20732302, 21741353). This variant is not present in population databases (gnomAD no frequency). This variant has not been reported in the literature in individuals affected with POR-related conditions. For these reasons, this variant has been classified as Pathogenic.

Literature cited by the submitters: PubMed 14758361; PubMed 20732302; PubMed 21741353.

NM_001395413.1(POR):c.1631_1634del (p.Ile544fs)

Gene: POR (cytochrome p450 oxidoreductase; plus strand). Cytogenetic location: 7q11.23.
Variant type: Deletion.
Coding change: c.1631_1634del on transcript NM_001395413.1 (MANE Select); coding-DNA positions 1631 to 1634, 4 bases deleted (TCCA; older notation c.1631_1634delTCCA).
Protein change: p.Ile544fs; shifts the reading frame from isoleucine 544.
Molecular consequence: frameshift variant.
Genome position (GRCh38, 1-based): chr7:75,985,820-75,985,823, TCCA deleted; deleting any 4 consecutive bases within chr7:75,985,818-75,985,823 gives the same sequence; the c. name uses the placement nearest the transcript's 3' end. VCF-style (leftmost placement, unchanged base first): chr7-75985817-TCATC-T. GRCh37 (hg19) VCF-style: chr7-75615135-TCATC-T.
Other names: c.1631_1634del, p.Ile544fs (NM_001367562.3, NM_001382657.2, NM_001382658.3 and 1 more transcripts); c.1685_1688del, p.Ile562fs (NM_001382655.3); c.1481_1484del, p.Ile494fs (NM_001382662.3); c.1640_1643delTCCA, p.Ile547Argfs (NM_000941.2, NM_000941.3); short protein forms I494fs, I544fs, I562fs.
Identifiers: ClinVar variation 2707022 (VCV002707022.3), dbSNP rs2535411057, ClinGen allele CA2697557326.